The following is an entry in ClinVar:

ClinVar aggregate classification (germline): Uncertain significance (1 of 4 stars; one submission).

gnomAD v4.1: 1 of 1,614,074 alleles (0.000062%); highest among the groups gnomAD compares: African/African-American, 0.0013%; no homozygotes.

Submission:

GeneDx
Classification: Uncertain significance. Last evaluated: 2026-04-17. Review status: criteria provided, single submitter. Criteria: GeneDx Variant Classification Process June 2021. Collection method: clinical testing. Allele origin: germline.
Comment: Not observed at significant frequency in large population cohorts (gnomAD); In silico analysis does not support a benign or deleterious effect of this variant on protein structure/function; Has not been previously published as pathogenic or benign to our knowledge

NM_002470.4(MYH3):c.2525A>G (p.Lys842Arg)

Gene: MYH3 (myosin heavy chain 3; minus strand). Cytogenetic location: 17p13.1.
Variant type: single nucleotide variant.
Coding change: c.2525A>G on transcript NM_002470.4 (MANE Select); coding-DNA position 2525, A replaced by G.
Protein change: p.Lys842Arg; replaces lysine 842 with arginine.
Molecular consequence: missense variant.
Genome position (GRCh38, 1-based): chr17:10,640,153, T>C on the plus strand (A>G on the coding strand, the complement: MYH3 is on the minus strand). VCF-style: chr17-10640153-T-C. GRCh37 (hg19) VCF-style: chr17-10543470-T-C.
Other names: short protein forms K842R.
Identifiers: ClinVar variation 3765936 (VCV003765936.2).